The following is an entry in ClinVar:

ClinVar aggregate classification (germline): Pathogenic. Review status: criteria provided, multiple submitters, no conflicts (2 of 4 stars). 13 submissions from 13 submitters: Pathogenic (11). 2 of the submissions do not count toward it. Last evaluated 2026-03-11.

Conditions:
RAD51C-related cancer predisposition. Identifiers: MedGen CN377762, MONDO:0700273.
Fanconi anemia complementation group O. Also called: RAD51C-Related Fanconi Anemia. Identifiers: Orphanet 84, MedGen C3150653, MONDO:0013248, OMIM 613390.
Breast-ovarian cancer, familial, susceptibility to, 3. Also called: RAD51C-Related Breast/Ovarian Cancer. Identifiers: Orphanet 145, MedGen C3150659, MONDO:0013253, OMIM 613399.
Hereditary cancer-predisposing syndrome. Also called: Hereditary neoplastic syndrome; Tumor predisposition; Neoplastic Syndromes, Hereditary; Hereditary Cancer Syndrome. Identifiers: Orphanet 140162, MedGen C0027672, MeSH D009386, MONDO:0015356.
Hereditary breast ovarian cancer syndrome. Also called: Hereditary breast and ovarian cancer; Hereditary breast and/or ovarian cancer syndrome; Hereditary breast and ovarian cancer syndrome; Hereditary breast and ovarian cancer syndrome (HBOC); Breast and ovarian cancer; BRCA1- and BRCA2-Associated Hereditary Breast and Ovarian Cancer. Identifiers: Orphanet 145, MedGen C0677776, MeSH D061325, MONDO:0003582. Disease mechanism: loss of function.

Allele frequency attached by ClinVar (database versions not stated): ExAC 0.00001; gnomAD 0.00001; gnomAD exomes 0.00001; TOPMed 0.00001.
gnomAD v4.1: 12 of 1,611,982 alleles (0.00074%); highest among the groups gnomAD compares: African/African-American, 0.004%; no homozygotes.

Submissions (13):

Women's Health and Genetics/Laboratory Corporation of America, LabCorp
Classification: Pathogenic for Hereditary breast ovarian cancer syndrome. Last evaluated: 2026-03-11. Review status: criteria provided, single submitter. Criteria: LabCorp Variant Classification Summary - May 2015. Collection method: clinical testing. Allele origin: germline.
Comment: Variant summary: RAD51C c.955C>T (p.Arg319X) results in a premature termination codon, predicted to cause a truncation of the encoded protein or absence of the protein due to nonsense mediated decay, which are commonly known mechanisms for disease. The variant allele was found at a frequency of 8e-06 in 251282 control chromosomes. c.955C>T has been observed in individual(s) affected with Hereditary Breast And Ovarian Cancer Syndrome (e.g. Flaum_2022). To our knowledge, no experimental evidence demonstrating an impact on protein function has been reported. The following publication has been ascertained in the context of this evaluation (PMID: 36169650). ClinVar contains an entry for this variant (Variation ID: 140799). Based on the evidence outlined above, the variant was classified as pathogenic for Hereditary Breast And Ovarian Cancer Syndrome and Fanconi Anemia Complementation Group O.

Labcorp Genetics (formerly Invitae), Labcorp
Classification: Pathogenic for Fanconi anemia complementation group O. Last evaluated: 2025-12-16. Review status: criteria provided, single submitter. Criteria: Invitae Variant Classification Sherloc (09022015). Collection method: clinical testing. Allele origin: germline.
Comment: This sequence change creates a premature translational stop signal (p.Arg319*) in the RAD51C gene. It is expected to result in an absent or disrupted protein product. Loss-of-function variants in RAD51C are known to be pathogenic (PMID: 20400964, 21990120, 24800917, 29278735). This variant is present in population databases (rs587781287, gnomAD 0.007%). This premature translational stop signal has been observed in individual(s) with breast and ovarian cancer (PMID: 22538716, 25452441, 26261251). ClinVar contains an entry for this variant (Variation ID: 140799). For these reasons, this variant has been classified as Pathogenic.

Color Diagnostics, LLC DBA Color Health
Classification: Pathogenic for Hereditary cancer-predisposing syndrome. Last evaluated: 2025-12-08. Review status: criteria provided, single submitter. Criteria: ACMG Guidelines, 2015. Collection method: clinical testing. Allele origin: germline.
Comment: This variant changes 1 nucleotide in exon 7 of the RAD51C gene, creating a premature translation stop signal. This variant is expected to result in an absent or non-functional protein product. To our knowledge, functional studies have not been reported for this variant. This variant has been reported in individuals affected with triple-negative breast cancer (PMID: 25452441, 27616075, 30257646) and ovarian cancer (PMID: 22538716, 26261251, 26720728, 28709830, 32359370). This variant has been identified in 12/1611982 chromosomes in the general population by the Genome Aggregation Database (gnomAD). Loss of RAD51C function is a known mechanism of disease. Based on the available evidence, this variant is classified as Pathogenic.

GeneDx
Classification: Pathogenic. Last evaluated: 2025-03-25. Review status: criteria provided, single submitter. Criteria: GeneDx Variant Classification Process June 2021. Collection method: clinical testing. Allele origin: germline. Affected: yes.
Comment: Nonsense variant predicted to result in protein truncation or nonsense mediated decay in a gene for which loss of function is a known mechanism of disease; Not observed at significant frequency in large population cohorts (gnomAD); This variant is associated with the following publications: (PMID: 25470109, 24763289, 22538716, 26720728, 26261251, 25452441, 27616075, 28709830, 30257646, 29922827, 32359370, 33471991, 34923718, 28888541, 33804961, 34326862, 36169650, 34887416)

Ambry Genetics
Classification: Pathogenic for Hereditary cancer-predisposing syndrome. Last evaluated: 2024-09-24. Review status: criteria provided, single submitter. Criteria: Ambry Variant Classification Scheme 2023. Collection method: clinical testing. Allele origin: germline.
Comment: The p.R319* pathogenic mutation (also known as c.955C>T), located in coding exon 7 of the RAD51C gene, results from a C to T substitution at nucleotide position 955. This changes the amino acid from an arginine to a stop codon within coding exon 7. This mutation has been reported in multiple individuals with personal and/or family histories of breast and/or ovarian cancer (Loveday C et al. Nat. Genet., 2012 Apr;44:475-6; author reply 476; Couch FJ et al. J Clin Oncol, 2015 Feb;33:304-11; Song H et al. J Clin Oncol, 2015 Sep;33:2901-7; Norquist BM et al. JAMA Oncol, 2016 Apr;2:482-90; Kraus C et al. Int J Cancer, 2017 Jan;140:95-102; Schoolmeester JK et al. Hum. Pathol., 2017 12;70:14-26; Hoyer J et al. BMC Cancer, 2018 Sep;18:926; Dorling et al. N Engl J Med. 2021 02;384:428-439). In addition to the clinical data presented in the literature, this alteration is expected to result in loss of function by premature protein truncation or nonsense-mediated mRNA decay. As such, this alteration is interpreted as a disease-causing mutation.

Fulgent Genetics
Classification: Pathogenic for Fanconi anemia complementation group O; Breast-ovarian cancer, familial, susceptibility to, 3. Last evaluated: 2024-05-03. Review status: criteria provided, single submitter. Criteria: ACMG Guidelines, 2015. Collection method: clinical testing. Allele origin: germline.

Myriad Genetics, Inc.
Classification: Pathogenic for Breast-ovarian cancer, familial, susceptibility to, 3. Last evaluated: 2024-01-03. Review status: criteria provided, single submitter. Criteria: Myriad Autosomal Dominant, Autosomal Recessive and X-Linked Classification Criteria (2023). Collection method: clinical testing. Allele origin: unknown.
Comment: This variant is considered pathogenic. This variant creates a termination codon and is predicted to result in premature protein truncation.

Baylor Genetics
Classification: Pathogenic for Breast-ovarian cancer, familial, susceptibility to, 3. Last evaluated: 2023-09-06. Review status: criteria provided, single submitter. Criteria: ACMG Guidelines, 2015. Collection method: clinical testing. Allele origin: unknown.

Sema4
Classification: Pathogenic for Hereditary cancer-predisposing syndrome. Last evaluated: 2020-10-27. Review status: criteria provided, single submitter. Criteria: Sema4 Curation Guidelines. Collection method: curation. Allele origin: germline.
Comment: The RAD51C c.955C>T (p.R319X) variant has been reported in heterozygosity in at least 5 individuals with breast or ovarian cancer (PMID: 22538716, 27616075, 28709830). This nonsense variant creates a premature stop codon at residue 319 of the RAD51C protein. At this location, this is predicted to cause nonsense-mediated decay and result in an absent protein (loss of function). Loss of function variants in RAD51C are known to be pathogenic (PMID: 20400964). This variant was observed in 1/16246 chromosomes in the African population, with no homozygotes, according to the Genome Aggregation Database (PMID: 27535533). Based on the current evidence available, this variant is interpreted as pathogenic.

Genetic Services Laboratory, University of Chicago
Classification: Pathogenic for {Breast-ovarian cancer, familial, susceptibility to, 3}. Last evaluated: 2016-12-16. Review status: criteria provided, single submitter. Criteria: ACMG Guidelines, 2015. Collection method: clinical testing. Allele origin: germline. Affected: yes.

University Health Network, Familial Cancer Clinic, Princess Margaret Cancer Centre
Classification: Pathogenic for RAD51C-related cancer predisposition. Review status: criteria provided, single submitter. Criteria: ACMG Guidelines, 2015. Collection method: clinical testing. Allele origin: germline. Inheritance: Autosomal dominant inheritance. Affected: yes. Observed: 1 variant allele.

Clinical Genetics Laboratory, Department of Pathology, Netherlands Cancer Institute
Classification: Pathogenic. Review status: no assertion criteria provided. Collection method: clinical testing. Allele origin: germline. Affected: yes. Study: VKGL Data-share Consensus. Not counted in ClinVar's aggregate classification.

Joint Genome Diagnostic Labs from Nijmegen and Maastricht, Radboudumc and MUMC+
Classification: Pathogenic. Review status: no assertion criteria provided. Collection method: clinical testing. Allele origin: germline. Affected: yes. Study: VKGL Data-share Consensus. Not counted in ClinVar's aggregate classification.

Literature cited by the submitters: PubMed 36169650 (cited by Women's Health and Genetics/Laboratory Corporation of America, LabCorp); PubMed 20400964 (cited by Labcorp Genetics (formerly Invitae), Labcorp and Sema4); PubMed 21990120 (cited by Labcorp Genetics (formerly Invitae), Labcorp); PubMed 24800917 (cited by Labcorp Genetics (formerly Invitae), Labcorp); PubMed 29278735 (cited by Labcorp Genetics (formerly Invitae), Labcorp); PubMed 22538716 (cited by 4 submitters); PubMed 25452441 (cited by 3 submitters); PubMed 26261251 (cited by 3 submitters); PubMed 26720728 (cited by Color Diagnostics, LLC DBA Color Health and Ambry Genetics); PubMed 27616075 (cited by 3 submitters); PubMed 28709830 (cited by 3 submitters); PubMed 30257646 (cited by Color Diagnostics, LLC DBA Color Health and Ambry Genetics); PubMed 32359370 (cited by Color Diagnostics, LLC DBA Color Health); PubMed 33471991 (cited by Ambry Genetics).

NM_058216.3(RAD51C):c.955C>T (p.Arg319Ter)

Gene: RAD51C (RAD51 paralog C; plus strand). Cytogenetic location: 17q22.
Variant type: single nucleotide variant.
Coding change: c.955C>T on transcript NM_058216.3 (MANE Select); coding-DNA position 955, C replaced by T.
Protein change: p.Arg319Ter; replaces arginine 319 with a stop codon.
Molecular consequence: nonsense. On other transcripts: non-coding transcript variant (1).
Genome position (GRCh38, 1-based): chr17:58,724,090, C>T. VCF-style: chr17-58724090-C-T. GRCh37 (hg19) VCF-style: chr17-56801451-C-T.
Other names: short protein forms R319*.
Identifiers: ClinVar variation 140799 (VCV000140799.35), dbSNP rs587781287, ClinGen allele CA163579.